The following is an entry in ClinVar:

ClinVar aggregate classification (germline): Uncertain significance. Review status: criteria provided, multiple submitters, no conflicts (2 of 4 stars). 2 submissions from 2 submitters: Uncertain significance (2). Last evaluated 2022-08-06.

Allele frequency attached by ClinVar (database versions not stated): ExAC 0.00001; 1000 Genomes Project 30x 0.00016; 1000 Genomes Project 0.00020.
gnomAD v4.1: 12 of 1,612,446 alleles (0.00074%); highest among the groups gnomAD compares: South Asian, 0.0011%; no homozygotes.

Submissions (2):

Labcorp Genetics (formerly Invitae), Labcorp
Classification: Uncertain significance. Last evaluated: 2022-08-06. Review status: criteria provided, single submitter. Criteria: Invitae Variant Classification Sherloc (09022015). Collection method: clinical testing. Allele origin: germline.
Comment: This sequence change replaces arginine, which is basic and polar, with cysteine, which is neutral and slightly polar, at codon 3269 of the CDH23 protein (p.Arg3269Cys). This variant is present in population databases (rs532369554, gnomAD 0.003%). This variant has not been reported in the literature in individuals affected with CDH23-related conditions. Algorithms developed to predict the effect of missense changes on protein structure and function output the following: SIFT: "Tolerated"; PolyPhen-2: "Not Available"; Align-GVGD: "Class C0". The cysteine amino acid residue is found in multiple mammalian species, which suggests that this missense change does not adversely affect protein function. In summary, the available evidence is currently insufficient to determine the role of this variant in disease. Therefore, it has been classified as a Variant of Uncertain Significance.

Blueprint Genetics
Classification: Uncertain significance. Last evaluated: 2021-12-09. Review status: criteria provided, single submitter. Criteria: ACMG Guidelines, 2015. Collection method: clinical testing. Allele origin: germline.

NM_022124.6(CDH23):c.9805C>T (p.Arg3269Cys)

Gene: CDH23 (cadherin related 23; plus strand). Cytogenetic location: 10q22.1.
Variant type: single nucleotide variant.
Coding change: c.9805C>T on transcript NM_022124.6 (MANE Select); coding-DNA position 9805, C replaced by T.
Protein change: p.Arg3269Cys; replaces arginine 3269 with cysteine.
Molecular consequence: missense variant.
Genome position (GRCh38, 1-based): chr10:71,815,018, C>T. VCF-style: chr10-71815018-C-T. GRCh37 (hg19) VCF-style: chr10-73574775-C-T.
Other names: c.3085C>T, p.Arg1029Cys (NM_001171933.1); c.2980C>T, p.Arg994Cys (NM_001171934.1); c.496C>T, p.Arg166Cys (NM_001171935.1); c.391C>T, p.Arg131Cys (NM_001171936.1); short protein forms R1029C, R131C, R166C, R3269C, R994C.
Identifiers: ClinVar variation 2418080 (VCV002418080.3), dbSNP rs532369554, ClinGen allele CA5547180.
Genomic context (GRCh38, chr10:71,815,018, plus strand): 5'-CAGACTGAGCTGGACGAGGAGCCAGGAGACCACAGCCCAGGGCAGGGTAGCCTGCGCTTC[C>T]GCCACAAGCCACCAGTGGAGCTCAAGGGGCCCGATGGGATCCATGTGGTGCACGGCAGCA-3'
Protein context (NP_071407.4, residues 3259-3279): HSPGQGSLRF[Arg3269Cys]HKPPVELKGP